The following is an entry in ClinVar:

NM_006059.4(LAMC3):c.1048G>A (p.Gly350Arg)

Gene: LAMC3 (laminin subunit gamma 3; plus strand). Cytogenetic location: 9q34.12.
Variant type: single nucleotide variant.
Coding change: c.1048G>A on transcript NM_006059.4 (MANE Select); coding-DNA position 1048, G replaced by A.
Protein change: p.Gly350Arg; replaces glycine 350 with arginine.
Molecular consequence: missense variant.
Genome position (GRCh38, 1-based): chr9:131,038,935, G>A. VCF-style: chr9-131038935-G-A. GRCh37 (hg19) VCF-style: chr9-133914322-G-A.
Other names: short protein forms G350R.
Identifiers: ClinVar variation 30419 (VCV000030419.17), dbSNP rs571785750, ClinGen allele CA5286923.

ClinVar aggregate classification (germline): Uncertain significance. Review status: criteria provided, multiple submitters, no conflicts (2 of 4 stars). 6 submissions from 6 submitters: Uncertain significance (5). 1 of the submissions does not count toward it. Last evaluated 2025-08-01.

Conditions:
Occipital pachygyria and polymicrogyria. Identifiers: Orphanet 280640, MedGen C3279875, MONDO:0013583, OMIM 614115.

Allele frequency attached by ClinVar (database versions not stated): ExAC 0.00001; gnomAD exomes 0.00002; gnomAD 0.00003; TOPMed 0.00003; 1000 Genomes Project 0.00020; 1000 Genomes Project 30x 0.00031.
gnomAD v4.1: 29 of 1,613,084 alleles (0.0018%); highest among the groups gnomAD compares: East Asian, 0.02%; no homozygotes.

Submissions (6):

CeGaT Center for Human Genetics Tuebingen
Classification: Uncertain significance. Last evaluated: 2025-08-01. Review status: criteria provided, single submitter. Criteria: CeGaT Center For Human Genetics Tuebingen Variant Classification Criteria Version 2. Collection method: clinical testing. Allele origin: germline. Affected: yes. Observed: 2 variant alleles.
Comment: LAMC3: PM2, PM3, PP4

Genomic Medicine Center of Excellence, King Faisal Specialist Hospital and Research Centre
Classification: Uncertain significance for Occipital pachygyria and polymicrogyria. Last evaluated: 2024-04-04. Review status: criteria provided, single submitter. Criteria: ACMG Guidelines, 2015. Collection method: clinical testing. Allele origin: germline.

Labcorp Genetics (formerly Invitae), Labcorp
Classification: Uncertain significance. Last evaluated: 2022-06-13. Review status: criteria provided, single submitter. Criteria: Invitae Variant Classification Sherloc (09022015). Collection method: clinical testing. Allele origin: germline.
Comment: In summary, the available evidence is currently insufficient to determine the role of this variant in disease. Therefore, it has been classified as a Variant of Uncertain Significance. Algorithms developed to predict the effect of missense changes on protein structure and function (SIFT, PolyPhen-2, Align-GVGD) all suggest that this variant is likely to be disruptive. ClinVar contains an entry for this variant (Variation ID: 30419). This missense change has been observed in individual(s) with LAMC3-related conditions (PMID: 21572413). In at least one individual the data is consistent with being in trans (on the opposite chromosome) from a pathogenic variant. This variant is present in population databases (rs571785750, gnomAD 0.01%). This sequence change replaces glycine, which is neutral and non-polar, with arginine, which is basic and polar, at codon 350 of the LAMC3 protein (p.Gly350Arg).

Fulgent Genetics
Classification: Uncertain significance for Occipital pachygyria and polymicrogyria. Last evaluated: 2022-03-24. Review status: criteria provided, single submitter. Criteria: ACMG Guidelines, 2015. Collection method: clinical testing. Allele origin: unknown.

Department of Pediatric Genetics, Istanbul University - Cerrahpasa
Classification: Uncertain significance for Cortical malformations, occipital. Review status: criteria provided, single submitter. Criteria: ACMG Guidelines, 2015. Collection method: clinical testing. Allele origin: germline. Affected: yes.

OMIM
Classification: Pathogenic for CORTICAL MALFORMATIONS, OCCIPITAL. Last evaluated: 2011-06-01. Review status: no assertion criteria provided. Collection method: literature only. Allele origin: germline. Not counted in ClinVar's aggregate classification.

Literature cited by the submitters: PubMed 21572413 (cited by Labcorp Genetics (formerly Invitae), Labcorp and OMIM).